The following is an entry in ClinVar:

NM_000368.5(TSC1):c.1997+2T>C

Gene: TSC1 (TSC complex subunit 1; minus strand). Cytogenetic location: 9q34.13.
Variant type: single nucleotide variant.
Coding change: c.1997+2T>C on transcript NM_000368.5 (MANE Select); the canonical splice donor site of the intron after coding-DNA position 1997, T replaced by C.
Molecular consequence: splice donor variant.
Genome position (GRCh38, 1-based): chr9:132,905,579, A>G on the plus strand (T>C on the coding strand, the complement: TSC1 is on the minus strand). VCF-style: chr9-132905579-A-G. GRCh37 (hg19) VCF-style: chr9-135780966-A-G.
Other names: c.1631+2T>C (NM_001406620.1, NM_001406625.1, NM_001406621.1 and 2 more transcripts); c.1634+2T>C (NM_001406618.1, NM_001406617.1, NM_001406619.1 and 5 more transcripts); c.1841+2T>C (NM_001406613.1, NM_001406612.1, NM_001406611.1); c.1844+2T>C (NM_001406610.1, NM_001162427.2); c.1043+2T>C (NM_001406627.1, NM_001406628.1); c.944+2T>C (NM_001406629.1, NM_001406630.1); c.1994+2T>C (NM_001406603.1, NM_001406609.1, NM_001406597.1 and 6 more transcripts); c.1997+2T>C (NM_001406602.1, NM_001406606.1, NM_001406592.1 and 7 more transcripts); and 1 more.
Identifiers: ClinVar variation 3075764 (VCV003075764.2), dbSNP rs2131806725, ClinGen allele CA375362200.

ClinVar aggregate classification (germline): Likely pathogenic. Review status: criteria provided, multiple submitters, no conflicts (2 of 4 stars). 2 submissions from 2 submitters: Likely pathogenic (2). Last evaluated 2023-12-12.

Conditions:
Tuberous sclerosis syndrome (TSC). Also called: Tuberous sclerosis; Tuberous Sclerosis Complex. Identifiers: Orphanet 805, MedGen C0041341, MONDO:0001734.
Tuberous sclerosis 1 (TSC1). Identifiers: Orphanet 805, MedGen C1854465, MONDO:0008612, OMIM 191100.

Submissions (2):

Myriad Genetics, Inc.
Classification: Likely pathogenic for Tuberous sclerosis 1. Last evaluated: 2023-12-12. Review status: criteria provided, single submitter. Criteria: Myriad Autosomal Dominant, Autosomal Recessive and X-Linked Classification Criteria (2023). Collection method: clinical testing. Allele origin: unknown.
Comment: This variant is considered likely pathogenic. This variant occurs within a consensus splice junction and is predicted to result in abnormal mRNA splicing of either an out-of-frame exon or an in-frame exon necessary for protein stability and/or normal function.

Laboratory for Molecular Medicine, Mass General Brigham Personalized Medicine
Classification: Likely pathogenic for Tuberous sclerosis syndrome. Last evaluated: 2019-03-18. Review status: criteria provided, single submitter. Criteria: ACMG Guidelines, 2015. Collection method: clinical testing. Allele origin: germline. Inheritance: Autosomal dominant inheritance.
Comment: The c.1997+2T>C variant in TSC1 has not been previously reported in individuals with tuberous sclerosis complex (TSC) or large population studies. This variant occurs within the canonical splice site (+/- 1,2) and is predicted to cause altered splicing leading to an abnormal or absent protein. Loss of function of the TSC1 gene is an established disease mechanism in autosomal dominant TSC. In summary, although additional studies are required to fully establish its clinical significance, this variant meets criteria to be classified as likely pathogenic for autosomal dominant TSC. ACMG/AMP Criteria applied: PVS1, PM2.